The following is an entry in ClinVar:

ClinVar aggregate classification (germline): Pathogenic (1 of 4 stars; one submission).

Conditions:
Multiple congenital exostosis (EXT). Also called: Multiple exostoses; MULTIPLE CARTILAGINOUS EXOSTOSES; Hereditary multiple exostoses; Hereditary multiple exostosis; Multiple osteochondromas; Hereditary multiple osteochondromas. Identifiers: Orphanet 321, MedGen C0015306, MONDO:0005508, HP:0002762.

Submission:

Labcorp Genetics (formerly Invitae), Labcorp
Classification: Pathogenic for Multiple congenital exostosis. Last evaluated: 2025-06-03. Review status: criteria provided, single submitter. Criteria: Invitae Variant Classification Sherloc (09022015). Collection method: clinical testing. Allele origin: germline.
Comment: This sequence change creates a premature translational stop signal (p.Thr199Ilefs*53) in the EXT1 gene. It is expected to result in an absent or disrupted protein product. Loss-of-function variants in EXT1 are known to be pathogenic (PMID: 10679937, 11391482, 19810120). This variant is not present in population databases (gnomAD no frequency). This variant has not been reported in the literature in individuals affected with EXT1-related conditions. For these reasons, this variant has been classified as Pathogenic.

Literature cited by the submitters: PubMed 10679937; PubMed 11391482; PubMed 19810120.

NM_000127.3(EXT1):c.596del (p.Thr199fs)

Gene: EXT1 (exostosin glycosyltransferase 1; minus strand). Cytogenetic location: 8q24.11.
Variant type: Deletion.
Coding change: c.596del on transcript NM_000127.3 (MANE Select); coding-DNA position 596, one base deleted (C; older notation c.596delC).
Protein change: p.Thr199fs; shifts the reading frame from threonine 199.
Molecular consequence: frameshift variant.
Genome position (GRCh38, 1-based): chr8:118,110,451, G deleted on the plus strand (C on the coding strand, the reverse complement: EXT1 is on the minus strand). VCF-style (leftmost placement, unchanged base first): chr8-118110450-AG-A. GRCh37 (hg19) VCF-style: chr8-119122689-AG-A.
Other names: short protein forms T199fs.
Identifiers: ClinVar variation 4720191 (VCV004720191.1).